The following is an entry in ClinVar:

NM_022552.5(DNMT3A):c.2479-3T>C

Gene: DNMT3A (DNA methyltransferase 3 alpha; minus strand). Cytogenetic location: 2p23.3.
Variant type: single nucleotide variant.
Coding change: c.2479-3T>C on transcript NM_022552.5 (MANE Select); 3 bases into the intron before coding-DNA position 2479, T replaced by C.
Molecular consequence: intron variant.
Genome position (GRCh38, 1-based): chr2:25,235,828, A>G on the plus strand (T>C on the coding strand, the complement: DNMT3A is on the minus strand). VCF-style: chr2-25235828-A-G. GRCh37 (hg19) VCF-style: chr2-25458697-A-G.
Other names: c.2479-3T>C (NM_175629.2); c.1912-3T>C (NM_153759.3); c.2023-3T>C (NM_001320893.1); c.1810-3T>C (NM_001375819.1).
Identifiers: ClinVar variation 4992413 (VCV004992413.1).
Genomic context (GRCh38, chr2:25,235,828, plus strand): 5'-GGTCTTTGCCCTGCTTTATGGAGTTTGACCTCGTAGTAATGGTCCTCACTTTGCTGAACT[A>G]GATGAAGAGGAGAAAAGAGGAATAAGCACGAATTCATTCACCAGCCAACACTGGTCATGC-3'

ClinVar aggregate classification (germline): Uncertain significance (1 of 4 stars; one submission).

Conditions:
DNMT3A-related disorder. Also called: DNMT3A-related condition; DNMT3A-related disorders.

Submission:

PreventionGenetics, part of Exact Sciences
Classification: Uncertain significance for DNMT3A-related condition. Last evaluated: 2026-08-18. Review status: criteria provided, single submitter. Criteria: ACMG Guidelines, 2015. Collection method: clinical testing. Allele origin: germline.
Comment: The DNMT3A c.2479-3T>C variant is predicted to interfere with splicing. To our knowledge, this variant has not been reported in the literature or in a large population database (gnomAD), indicating this variant is rare. At this time, the clinical significance of this variant is uncertain due to the absence of conclusive functional and genetic evidence.